The following is an entry in ClinVar:

ClinVar aggregate classification (germline): Uncertain significance (1 of 4 stars; one submission).

gnomAD v4.1: 1 of 1,613,620 alleles (0.000062%); no homozygotes.

Submission:

Labcorp Genetics (formerly Invitae), Labcorp
Classification: Uncertain significance. Last evaluated: 2022-11-08. Review status: criteria provided, single submitter. Criteria: Invitae Variant Classification Sherloc (09022015). Collection method: clinical testing. Allele origin: germline.
Comment: Algorithms developed to predict the effect of missense changes on protein structure and function are either unavailable or do not agree on the potential impact of this missense change (SIFT: "Deleterious"; PolyPhen-2: "Probably Damaging"; Align-GVGD: "Class C15"). In summary, the available evidence is currently insufficient to determine the role of this variant in disease. Therefore, it has been classified as a Variant of Uncertain Significance. This sequence change replaces leucine, which is neutral and non-polar, with valine, which is neutral and non-polar, at codon 80 of the EXOC8 protein (p.Leu80Val). This variant is not present in population databases (gnomAD no frequency). This variant has not been reported in the literature in individuals affected with EXOC8-related conditions.

NM_175876.5(EXOC8):c.238C>G (p.Leu80Val)

Gene: EXOC8 (exocyst complex component 8; minus strand). Cytogenetic location: 1q42.2.
Variant type: single nucleotide variant.
Coding change: c.238C>G on transcript NM_175876.5 (MANE Select); coding-DNA position 238, C replaced by G.
Protein change: p.Leu80Val; replaces leucine 80 with valine.
Molecular consequence: missense variant.
Genome position (GRCh38, 1-based): chr1:231,337,508, G>C on the plus strand (C>G on the coding strand, the complement: EXOC8 is on the minus strand). VCF-style: chr1-231337508-G-C. GRCh37 (hg19) VCF-style: chr1-231473254-G-C.
Other names: short protein forms L80V.
Identifiers: ClinVar variation 2130336 (VCV002130336.4), dbSNP rs141851139, ClinGen allele CA345245612.